The following is an entry in ClinVar:

NM_002519.3(NPAT):c.2242C>T (p.Pro748Ser)

Gene: NPAT (nuclear protein, coactivator of histone transcription; minus strand). Cytogenetic location: 11q22.3.
Variant type: single nucleotide variant.
Coding change: c.2242C>T on transcript NM_002519.3 (MANE Select); coding-DNA position 2242, C replaced by T.
Protein change: p.Pro748Ser; replaces proline 748 with serine.
Molecular consequence: missense variant.
Genome position (GRCh38, 1-based): chr11:108,172,742, G>A on the plus strand (C>T on the coding strand, the complement: NPAT is on the minus strand). VCF-style: chr11-108172742-G-A. GRCh37 (hg19) VCF-style: chr11-108043469-G-A.
Other names: c.2242C>T, p.Pro748Ser (NM_001321307.1); short protein forms P748S.
Identifiers: ClinVar variation 1788297 (VCV001788297.3), dbSNP rs755385459, ClinGen allele CA6263849.

ClinVar aggregate classification (germline): Uncertain significance. Review status: criteria provided, multiple submitters, no conflicts (2 of 4 stars). 2 submissions from 2 submitters: Uncertain significance (2). Last evaluated 2025-08-03.

Allele frequency attached by ClinVar (database versions not stated): gnomAD 0.00001; ExAC 0.00002; gnomAD exomes 0.00002.
gnomAD v4.1: 34 of 1,613,316 alleles (0.0021%); highest among the groups gnomAD compares: South Asian, 0.023%; no homozygotes.

Submissions (2):

Labcorp Genetics (formerly Invitae), Labcorp
Classification: Uncertain significance. Last evaluated: 2025-08-03. Review status: criteria provided, single submitter. Criteria: Invitae Variant Classification Sherloc (09022015). Collection method: clinical testing. Allele origin: germline.
Comment: This sequence change replaces proline, which is neutral and non-polar, with serine, which is neutral and polar, at codon 748 of the NPAT protein (p.Pro748Ser). This variant is present in population databases (rs755385459, gnomAD 0.01%). This variant has not been reported in the literature in individuals affected with NPAT-related conditions. ClinVar contains an entry for this variant (Variation ID: 1788297). An algorithm developed to predict the effect of missense changes on protein structure and function outputs the following: PolyPhen-2: "Benign". The serine amino acid residue is found in multiple mammalian species, which suggests that this missense change does not adversely affect protein function. In summary, the available evidence is currently insufficient to determine the role of this variant in disease. Therefore, it has been classified as a Variant of Uncertain Significance.

Ambry Genetics
Classification: Uncertain significance. Last evaluated: 2022-09-16. Review status: criteria provided, single submitter. Criteria: Ambry Variant Classification Scheme 2023. Collection method: clinical testing. Allele origin: germline.
Comment: The p.P748S variant (also known as c.2242C>T), located in coding exon 13 of the NPAT gene, results from a C to T substitution at nucleotide position 2242. The proline at codon 748 is replaced by serine, an amino acid with similar properties. This amino acid position is conserved. In addition, this alteration is predicted to be tolerated by in silico analysis. Since supporting evidence is limited at this time, the clinical significance of this alteration remains unclear.